The following is an entry in ClinVar:

ClinVar aggregate classification (germline): Uncertain significance (1 of 4 stars; one submission).

Submission:

GeneDx
Classification: Uncertain significance. Last evaluated: 2016-10-25. Review status: criteria provided, single submitter. Criteria: GeneDx Variant Classification (06012015). Collection method: clinical testing. Allele origin: germline. Affected: yes.
Comment: A variant of uncertain significance has been identified in the ALPK3 gene. The E199D variant has not been published as a pathogenic variant, nor has it been reported as a benign variant to our knowledge. In addition, this variant has not been observed in other individuals who underwent cardiology genetic testing at GeneDx. The E199D variant is a conservative amino acid substitution, which is not likely to impact secondary protein structure as these residues share similar properties. In silico analysis predicts this variant likely does not alter the protein structure/function. However, assessment of the conservation of this residue throughout evolution is limited as this region is not identified as a coding exon in most species. Finally, data from control individuals is not available to assess whether E199D may be a common benign variant in the general population. Therefore, based on the currently available information, it is unclear whether this variant is pathogenic or benign.

NM_020778.5(ALPK3):c.-10G>T

Gene: ALPK3 (alpha kinase 3; plus strand). Cytogenetic location: 15q25.3.
Variant type: single nucleotide variant.
Coding change: c.-10G>T on transcript NM_020778.5 (MANE Select); 10 bases upstream of the start codon, G replaced by T.
Molecular consequence: 5 prime UTR variant.
Genome position (GRCh38, 1-based): chr15:84,817,443, G>T. VCF-style: chr15-84817443-G-T. GRCh37 (hg19) VCF-style: chr15-85360674-G-T.
Other names: short protein forms E199D.
Identifiers: ClinVar variation 390236 (VCV000390236.2), dbSNP rs1057523686, ClinGen allele CA16606796.